The following is an entry in ClinVar:

ClinVar aggregate classification (germline): Uncertain significance (1 of 4 stars; one submission).

Conditions:
Walker-Warburg congenital muscular dystrophy. Also called: Muscular dystrophy-dystroglycanopathy, type A; Walker-Warburg syndrome. Identifiers: Orphanet 899, MedGen C0265221, MONDO:0000171.
Autosomal recessive limb-girdle muscular dystrophy type 2K. Also called: MUSCULAR DYSTROPHY, LIMB-GIRDLE, TYPE 2K; MUSCULAR DYSTROPHY-DYSTROGLYCANOPATHY (LIMB-GIRDLE), TYPE C, 1. Identifiers: Orphanet 86812, MedGen C1836373, MONDO:0012248, OMIM 609308.
Muscular dystrophy-dystroglycanopathy (congenital with impaired intellectual development), type B, 1. Also called: MUSCULAR DYSTROPHY, CONGENITAL, POMT1-RELATED; Muscular dystrophy-dystroglycanopathy (congenital with intellectual disability), type B1. Identifiers: MedGen C5436962, MONDO:0013159, OMIM 613155.

Allele frequency attached by ClinVar (database versions not stated): gnomAD exomes 0.00003 and 0.00002; ExAC 0.00002; TOPMed 0.00006; gnomAD 0.00002.
gnomAD v4.1: 44 of 1,614,084 alleles (0.0027%); highest among the groups gnomAD compares: South Asian, 0.0055%; 1 homozygote.

Submission:

Labcorp Genetics (formerly Invitae), Labcorp
Classification: Uncertain significance for Muscular dystrophy-dystroglycanopathy (congenital with impaired intellectual development), type B, 1; Walker-Warburg congenital muscular dystrophy; Autosomal recessive limb-girdle muscular dystrophy type 2K. Last evaluated: 2022-07-19. Review status: criteria provided, single submitter. Criteria: Invitae Variant Classification Sherloc (09022015). Collection method: clinical testing. Allele origin: germline.
Comment: This sequence change replaces valine, which is neutral and non-polar, with methionine, which is neutral and non-polar, at codon 214 of the POMT1 protein (p.Val214Met). This variant is present in population databases (rs778740383, gnomAD 0.007%). This variant has not been reported in the literature in individuals affected with POMT1-related conditions. ClinVar contains an entry for this variant (Variation ID: 845697). Algorithms developed to predict the effect of missense changes on protein structure and function output the following: SIFT: "Deleterious"; PolyPhen-2: "Benign"; Align-GVGD: "Class C0". The methionine amino acid residue is found in multiple mammalian species, which suggests that this missense change does not adversely affect protein function. In summary, the available evidence is currently insufficient to determine the role of this variant in disease. Therefore, it has been classified as a Variant of Uncertain Significance.

NM_001077365.2(POMT1):c.640G>A (p.Val214Met)

Gene: POMT1 (protein O-mannosyltransferase 1; plus strand). Cytogenetic location: 9q34.13.
Variant type: single nucleotide variant.
Coding change: c.640G>A on transcript NM_001077365.2 (MANE Select); coding-DNA position 640, G replaced by A.
Protein change: p.Val214Met; replaces valine 214 with methionine.
Molecular consequence: missense variant. On other transcripts: non-coding transcript variant (10).
Genome position (GRCh38, 1-based): chr9:131,509,937, G>A. VCF-style: chr9-131509937-G-A. GRCh37 (hg19) VCF-style: chr9-134385324-G-A.
Other names: c.478G>A, p.Val160Met (NM_001077366.2, NM_001353194.2, NM_001353197.2 and 3 more transcripts); c.640G>A, p.Val214Met (NM_001136113.2, NM_001353193.2, NM_001374690.1 and 1 more transcripts); c.289G>A, p.Val97Met (NM_001136114.2, NM_001353195.2, NM_001353199.2 and 2 more transcripts); c.550G>A, p.Val184Met (NM_001353196.2); c.184G>A, p.Val62Met (NM_001353200.2, NM_001374695.1); short protein forms V160M, V184M, V62M, V97M, V214M.
Identifiers: ClinVar variation 845697 (VCV000845697.7), dbSNP rs778740383, ClinGen allele CA5293365.